The following is an entry in ClinVar:

NM_022114.4(PRDM16):c.1116G>A (p.Gly372=)

Gene: PRDM16 (PR/SET domain 16; plus strand). Cytogenetic location: 1p36.32.
Variant type: single nucleotide variant.
Coding change: c.1116G>A on transcript NM_022114.4 (MANE Select); coding-DNA position 1116, G replaced by A.
Protein change: p.Gly372=; no amino-acid change (glycine 372 retained).
Molecular consequence: synonymous variant.
Genome position (GRCh38, 1-based): chr1:3,405,578, G>A. VCF-style: chr1-3405578-G-A. GRCh37 (hg19) VCF-style: chr1-3322142-G-A.
Other names: c.1116G>A, p.Gly372= (NM_199454.3).
Identifiers: ClinVar variation 227858 (VCV000227858.20), dbSNP rs757093442, ClinGen allele CA544102.
Genomic context (GRCh38, chr1:3,405,578, plus strand): 5'-TCAGCGGCACATCCGCTCGCAGCACGTGGGCGCTCGGGCCCACGCCTGCCCCGACTGCGG[G>A]AAGACCTTCGCCACGTCCTCCGGCCTCAAGCAGCACAAGCATATCCACAGCACGGTGAAG-3'
Protein context (NP_071397.3, residues 362-382): GARAHACPDC[Gly372=]KTFATSSGLK

ClinVar aggregate classification (germline): Likely benign. Review status: criteria provided, multiple submitters, no conflicts (2 of 4 stars). 6 submissions from 6 submitters: Likely benign (5). 1 of the submissions does not count toward it. Last evaluated 2025-10-23.

Conditions:
PRDM16-related disorder. Also called: PRDM16-related condition.
Left ventricular noncompaction 8 (LVNC8). Identifiers: Orphanet 154, Orphanet 54260, MedGen C3809288, MONDO:0014152, OMIM 615373.

Allele frequency attached by ClinVar (database versions not stated): ExAC 0.00002; gnomAD 0.00002; gnomAD exomes 0.00002; TOPMed 0.00002.
gnomAD v4.1: 37 of 1,611,386 alleles (0.0023%); highest among the groups gnomAD compares: Non-Finnish European, 0.0029%; no homozygotes.

Submissions (6):

Labcorp Genetics (formerly Invitae), Labcorp
Classification: Likely benign for Left ventricular noncompaction 8. Last evaluated: 2025-10-23. Review status: criteria provided, single submitter. Criteria: Invitae Variant Classification Sherloc (09022015). Collection method: clinical testing. Allele origin: germline.

Blueprint Genetics
Classification: Likely benign. Last evaluated: 2024-10-31. Review status: criteria provided, single submitter. Criteria: ACMG Guidelines, 2015. Collection method: clinical testing. Allele origin: germline.

Fulgent Genetics
Classification: Likely benign for Left ventricular noncompaction 8. Last evaluated: 2022-04-22. Review status: criteria provided, single submitter. Criteria: ACMG Guidelines, 2015. Collection method: clinical testing. Allele origin: unknown.

GeneDx
Classification: Likely benign. Last evaluated: 2018-07-26. Review status: criteria provided, single submitter. Criteria: GeneDx Variant Classification Process June 2021. Collection method: clinical testing. Allele origin: germline. Affected: yes.

Laboratory for Molecular Medicine, Mass General Brigham Personalized Medicine
Classification: Likely benign. Last evaluated: 2015-06-10. Review status: criteria provided, single submitter. Criteria: LMM Criteria. Collection method: clinical testing. Allele origin: germline. Observed: 1 variant allele.
Comment: p.Gly372Gly in exon 8 of PRDM16: This variant is not expected to have clinical s ignificance because it does not alter an amino acid residue and is not located w ithin the splice consensus sequence. It has been identified in 2/64704 European chromosomes by the Exome Aggregation Consortium (ExAC).

PreventionGenetics, part of Exact Sciences
Classification: Likely benign for PRDM16-related condition. Last evaluated: 2020-02-03. Review status: no assertion criteria provided. Collection method: clinical testing. Allele origin: germline. Not counted in ClinVar's aggregate classification.
Comment: This variant is classified as likely benign based on ACMG/AMP sequence variant interpretation guidelines (Richards et al. 2015 PMID: 25741868, with internal and published modifications).